The following is an entry in ClinVar:

ClinVar aggregate classification (germline): Uncertain significance (1 of 4 stars; one submission).

gnomAD v4.1: 1 of 1,211,789 alleles (0.000083%); highest among the groups gnomAD compares: Non-Finnish European, 0.00011%; no homozygotes.

Submission:

GeneDx
Classification: Uncertain significance. Last evaluated: 2025-12-29. Review status: criteria provided, single submitter. Criteria: GeneDx Variant Classification Process June 2021. Collection method: clinical testing. Allele origin: germline.
Comment: Has not been previously published as pathogenic or benign to our knowledge; Not observed at significant frequency in large population cohorts (gnomAD); In silico analysis suggests that this missense variant does not alter protein structure/function

NM_181303.2(NLGN3):c.2054G>C (p.Gly685Ala)

Gene: NLGN3 (neuroligin 3; plus strand). Cytogenetic location: Xq13.1.
Variant type: single nucleotide variant.
Coding change: c.2054G>C on transcript NM_181303.2 (MANE Select); coding-DNA position 2054, G replaced by C.
Protein change: p.Gly685Ala; replaces glycine 685 with alanine.
Molecular consequence: missense variant.
Genome position (GRCh38, 1-based): chrX:71,169,604, G>C. VCF-style: chrX-71169604-G-C. GRCh37 (hg19) VCF-style: chrX-70389454-G-C.
Other names: c.1934G>C, p.Gly645Ala (NM_001166660.2); c.1643G>C, p.Gly548Ala (NM_001321276.2, NM_001438298.1); c.1703G>C, p.Gly568Ala (NM_001437941.1, NM_001438296.1); c.1994G>C, p.Gly665Ala (NM_018977.4); short protein forms G548A, G568A, G645A, G665A, G685A.
Identifiers: ClinVar variation 4528066 (VCV004528066.2).